The following is an entry in ClinVar:

ClinVar aggregate classification (germline): Uncertain significance. Review status: criteria provided, multiple submitters, no conflicts (2 of 4 stars). 3 submissions from 3 submitters: Uncertain significance (2). 1 of the submissions does not count toward it. Last evaluated 2024-04-25.

Conditions:
Kabuki syndrome 1 (KABUK1). Also called: KMT2D-Related Kabuki Syndrome. Identifiers: Orphanet 2322, MedGen CN030661, MONDO:0007843, OMIM 147920.
Choanal atresia-athelia-hypothyroidism-delayed puberty-short stature syndrome (BCAHH). Also called: BRANCHIAL ARCH ABNORMALITIES, CHOANAL ATRESIA, ATHELIA, HEARING LOSS, AND HYPOTHYROIDISM SYNDROME. Identifiers: Orphanet 589856, MedGen C5680310, MONDO:0035651, OMIM 620186.
KMT2D-related disorder. Also called: KMT2D-Related Disorders.
Kabuki syndrome. Also called: NIIKAWA-KUROKI SYNDROME; Kabuki make-up syndrome. Identifiers: Orphanet 2322, MedGen C0796004, MONDO:0016512.

gnomAD v4.1: 10 of 1,593,434 alleles (0.00063%); highest among the groups gnomAD compares: South Asian, 0.0034%; no homozygotes.

Submissions (3):

Fulgent Genetics
Classification: Uncertain significance for Kabuki syndrome 1; Choanal atresia-athelia-hypothyroidism-delayed puberty-short stature syndrome. Last evaluated: 2024-04-25. Review status: criteria provided, single submitter. Criteria: ACMG Guidelines, 2015. Collection method: clinical testing. Allele origin: germline.

Labcorp Genetics (formerly Invitae), Labcorp
Classification: Uncertain significance for Kabuki syndrome. Last evaluated: 2024-04-25. Review status: criteria provided, single submitter. Criteria: Invitae Variant Classification Sherloc (09022015). Collection method: clinical testing. Allele origin: germline.
Comment: This sequence change replaces arginine, which is basic and polar, with glutamine, which is neutral and polar, at codon 4659 of the KMT2D protein (p.Arg4659Gln). The frequency data for this variant in the population databases is considered unreliable, as metrics indicate poor data quality at this position in the gnomAD database. This variant has not been reported in the literature in individuals affected with KMT2D-related conditions. Advanced modeling of protein sequence and biophysical properties (such as structural, functional, and spatial information, amino acid conservation, physicochemical variation, residue mobility, and thermodynamic stability) performed at Invitae indicates that this missense variant is not expected to disrupt KMT2D protein function with a negative predictive value of 95%. In summary, the available evidence is currently insufficient to determine the role of this variant in disease. Therefore, it has been classified as a Variant of Uncertain Significance.

PreventionGenetics, part of Exact Sciences
Classification: Uncertain significance for KMT2D-related condition. Last evaluated: 2024-09-03. Review status: no assertion criteria provided. Collection method: clinical testing. Allele origin: germline. Not counted in ClinVar's aggregate classification.
Comment: The KMT2D c.13976G>A variant is predicted to result in the amino acid substitution p.Arg4659Gln. To our knowledge, this variant has not been reported in the literature. This variant is reported in 0.0036% of alleles in individuals of South Asian descent in gnomAD. At this time, the clinical significance of this variant is uncertain due to the absence of conclusive functional and genetic evidence.

NM_003482.4(KMT2D):c.13976G>A (p.Arg4659Gln)

Gene: KMT2D (lysine methyltransferase 2D; minus strand). Cytogenetic location: 12q13.12.
Variant type: single nucleotide variant.
Coding change: c.13976G>A on transcript NM_003482.4 (MANE Select); coding-DNA position 13976, G replaced by A.
Protein change: p.Arg4659Gln; replaces arginine 4659 with glutamine.
Molecular consequence: missense variant.
Genome position (GRCh38, 1-based): chr12:49,030,303, C>T on the plus strand (G>A on the coding strand, the complement: KMT2D is on the minus strand). VCF-style: chr12-49030303-C-T. GRCh37 (hg19) VCF-style: chr12-49424086-C-T.
Other names: short protein forms R4659Q.
Identifiers: ClinVar variation 3355206 (VCV003355206.4).
Genomic context (GRCh38, chr12:49,030,303, plus strand): 5'-CAAACTCCACCAGGGGTGGCATCTGCTCTTGACTTACCCCTCAGTGCCCTTTCACTATCC[C>T]GGGCAGAGGCAGCATCCTTGGGGTGCTCCCCCAGCTCTTCAGATGGGGTGACGCCATTCA-3'
Protein context (NP_003473.3, residues 4649-4669): GEHPKDAASA[Arg4659Gln]DSERALRDTS